The following is an entry in ClinVar:

ClinVar aggregate classification (germline): Uncertain significance. Review status: criteria provided, multiple submitters, no conflicts (2 of 4 stars). 3 submissions from 3 submitters: Uncertain significance (3). Last evaluated 2026-03-27.

Conditions:
Microcephaly, seizures, and developmental delay. Identifiers: Orphanet 1934, MedGen C3150667, MONDO:0013254, OMIM 613402.
Developmental and epileptic encephalopathy, 12 (DEE12). Identifiers: MedGen C3150988, MONDO:0013389, OMIM 613722.

Allele frequency attached by ClinVar (database versions not stated): gnomAD exomes below 0.00001; TOPMed 0.00001; ExAC 0.00001.
gnomAD v4.1: 4 of 1,613,608 alleles (0.00025%); highest among the groups gnomAD compares: Admixed American, 0.005%; no homozygotes.

Submissions (3):

GeneDx
Classification: Uncertain significance. Last evaluated: 2026-03-27. Review status: criteria provided, single submitter. Criteria: GeneDx Variant Classification Process June 2021. Collection method: clinical testing. Allele origin: germline.
Comment: Has not been previously published as pathogenic or benign to our knowledge; Not observed at significant frequency in large population cohorts (gnomAD); In silico analysis supports that this missense variant has a deleterious effect on protein structure/function; This variant is associated with the following publications: (PMID: 22508754)

Labcorp Genetics (formerly Invitae), Labcorp
Classification: Uncertain significance for Developmental and epileptic encephalopathy, 12. Last evaluated: 2021-06-03. Review status: criteria provided, single submitter. Criteria: Invitae Variant Classification Sherloc (09022015). Collection method: clinical testing. Allele origin: germline.
Comment: In summary, the available evidence is currently insufficient to determine the role of this variant in disease. Therefore, it has been classified as a Variant of Uncertain Significance. Algorithms developed to predict the effect of missense changes on protein structure and function are either unavailable or do not agree on the potential impact of this missense change (SIFT: "Deleterious"; PolyPhen-2: "Probably Damaging"; Align-GVGD: "Class C0"). This variant has not been reported in the literature in individuals with PNKP-related disease. This variant is present in population databases (rs756589726, ExAC 0.009%). This sequence change replaces glycine with glutamic acid at codon 36 of the PNKP protein (p.Gly36Glu). The glycine residue is moderately conserved and there is a moderate physicochemical difference between glycine and glutamic acid.

Illumina Laboratory Services, Illumina
Classification: Uncertain significance for Microcephaly, seizures, and developmental delay. Last evaluated: 2018-01-13. Review status: criteria provided, single submitter. Criteria: ICSL Variant Classification Criteria 13 December 2019. Collection method: clinical testing. Allele origin: germline.

NM_007254.4(PNKP):c.107G>A (p.Gly36Glu)

Gene: PNKP (polynucleotide kinase 3'-phosphatase; minus strand). Cytogenetic location: 19q13.33.
Variant type: single nucleotide variant.
Coding change: c.107G>A on transcript NM_007254.4 (MANE Select); coding-DNA position 107, G replaced by A.
Protein change: p.Gly36Glu; replaces glycine 36 with glutamic acid.
Molecular consequence: missense variant.
Genome position (GRCh38, 1-based): chr19:49,867,098, C>T on the plus strand (G>A on the coding strand, the complement: PNKP is on the minus strand). VCF-style: chr19-49867098-C-T. GRCh37 (hg19) VCF-style: chr19-50370355-C-T.
Other names: c.107G>A (NM_007254.2); short protein forms G36E.
Identifiers: ClinVar variation 569918 (VCV000569918.16), dbSNP rs756589726, ClinGen allele CA9587081.